The following is an entry in ClinVar:

NM_001374828.1(ARID1B):c.6208T>C (p.Cys2070Arg)

Gene: ARID1B (AT-rich interaction domain 1B; plus strand). Cytogenetic location: 6q25.3.
Variant type: single nucleotide variant.
Coding change: c.6208T>C on transcript NM_001374828.1 (MANE Select); coding-DNA position 6208, T replaced by C.
Protein change: p.Cys2070Arg; replaces cysteine 2070 with arginine.
Molecular consequence: missense variant.
Genome position (GRCh38, 1-based): chr6:157,206,980, T>C. VCF-style: chr6-157206980-T-C. GRCh37 (hg19) VCF-style: chr6-157528114-T-C.
Other names: c.3709T>C, p.Cys1237Arg (NM_001363725.2); c.6088T>C, p.Cys2030Arg (NM_001371656.1, NM_001374820.1); c.6049T>C, p.Cys2017Arg (NM_017519.3); c.5839T>C (NM_020732.3); short protein forms C1237R, C2017R, C2030R, C2070R.
Identifiers: ClinVar variation 3373022 (VCV003373022.1).

ClinVar aggregate classification (germline): Uncertain significance (1 of 4 stars; one submission).

Submission:

GeneDx
Classification: Uncertain significance. Last evaluated: 2024-04-24. Review status: criteria provided, single submitter. Criteria: GeneDx Variant Classification Process June 2021. Collection method: clinical testing. Allele origin: germline. Affected: yes.
Comment: Not observed at significant frequency in large population cohorts (gnomAD); In silico analysis supports that this missense variant has a deleterious effect on protein structure/function; Has not been previously published as pathogenic or benign to our knowledge